The following is an entry in ClinVar:

NM_000245.4(MET):c.2548A>G (p.Ile850Val)

Gene: MET (MET proto-oncogene, receptor tyrosine kinase; plus strand). Cytogenetic location: 7q31.2.
Variant type: single nucleotide variant.
Coding change: c.2548A>G on transcript NM_000245.4 (MANE Select); coding-DNA position 2548, A replaced by G.
Protein change: p.Ile850Val; replaces isoleucine 850 with valine.
Molecular consequence: missense variant.
Genome position (GRCh38, 1-based): chr7:116,763,233, A>G. VCF-style: chr7-116763233-A-G. GRCh37 (hg19) VCF-style: chr7-116403287-A-G.
Other names: c.2602A>G (NM_001127500.2); c.2602A>G, p.Ile868Val (NM_001127500.3); c.2548A>G, p.Ile850Val (NM_001324401.3); c.1258A>G, p.Ile420Val (NM_001324402.2); short protein forms I868V, I420V, I850V.
Identifiers: ClinVar variation 134642 (VCV000134642.19), dbSNP rs200524064, ClinGen allele CA160404.
Genomic context (GRCh38, chr7:116,763,233, plus strand): 5'-TACTTTGATCTCATTTATGTACATAATCCTGTGTTTAAGCCTTTTGAAAAGCCAGTGATG[A>G]TCTCAATGGGCAATGAAAATGTACTGGAAATTAAGGTAAGAAATGCTTTAAACACTGTCT-3'
Protein context (NP_000236.2, residues 840-860): VFKPFEKPVM[Ile850Val]SMGNENVLEI

ClinVar aggregate classification (germline): Conflicting classifications of pathogenicity. Review status: criteria provided, conflicting classifications (1 of 4 stars). 5 submissions from 5 submitters: Uncertain significance (2); Likely benign (2). 1 of the submissions does not count toward it. Last evaluated 2025-12-12.

Conditions:
MET-related disorder. Also called: MET-related condition.
Renal cell carcinoma. Identifiers: Orphanet 217071, MedGen C0007134, MeSH D002292, MONDO:0005086, HP:0005584.
Hereditary cancer-predisposing syndrome. Also called: Neoplastic Syndromes, Hereditary; Tumor predisposition; Hereditary Cancer Syndrome; Hereditary neoplastic syndrome. Identifiers: Orphanet 140162, MedGen C0027672, MeSH D009386, MONDO:0015356.

Allele frequency attached by ClinVar (database versions not stated): gnomAD exomes below 0.00001 and 0.00001; ExAC 0.00002; gnomAD 0.00009 and 0.00011; TOPMed 0.00011; ESP Exome Variant Server 0.00017.
gnomAD v4.1: 15 of 1,613,880 alleles (0.00093%); highest among the groups gnomAD compares: African/African-American, 0.019%; no homozygotes.

Submissions (5):

Labcorp Genetics (formerly Invitae), Labcorp
Classification: Likely benign for Renal cell carcinoma. Last evaluated: 2025-12-12. Review status: criteria provided, single submitter. Criteria: Invitae Variant Classification Sherloc (09022015). Collection method: clinical testing. Allele origin: germline.

PreventionGenetics, part of Exact Sciences
Classification: Uncertain significance for MET-related condition. Last evaluated: 2025-12-01. Review status: criteria provided, single submitter. Criteria: ACMG Guidelines, 2015. Collection method: clinical testing. Allele origin: germline.
Comment: The MET c.2602A>G variant is predicted to result in the amino acid substitution p.Ile868Val. To our knowledge, this variant has not been reported in the literature. This variant is reported in 0.029% of alleles in individuals of African descent in gnomAD. At this time, the clinical significance of this variant is uncertain due to the absence of conclusive functional and genetic evidence.

GeneDx
Classification: Uncertain significance. Last evaluated: 2023-11-08. Review status: criteria provided, single submitter. Criteria: GeneDx Variant Classification Process June 2021. Collection method: clinical testing. Allele origin: germline. Affected: yes.
Comment: In silico analysis supports that this missense variant does not alter protein structure/function; Observed in individuals with colon cancer (PMID: 29684080); This variant is associated with the following publications: (PMID: 24728327, 29684080)

Ambry Genetics
Classification: Likely benign for Hereditary cancer-predisposing syndrome. Last evaluated: 2023-05-16. Review status: criteria provided, single submitter. Criteria: Ambry Variant Classification Scheme 2023. Collection method: clinical testing. Allele origin: germline.

ITMI
No classification provided. Condition: AllHighlyPenetrant. Last evaluated: 2013-09-19. Review status: no classification provided. Collection method: reference population. Allele origin: germline. Not counted in ClinVar's aggregate classification.
Comment: Please see associated publication for description of ethnicities

Literature cited by the submitters: PubMed 29684080 (cited by Ambry Genetics); PubMed 24728327 (cited by ITMI).